The following is an entry in ClinVar:

ClinVar aggregate classification (germline): Uncertain significance (1 of 4 stars; one submission).

Conditions:
Inborn genetic diseases. Identifiers: MedGen C0950123, MeSH D030342.

Submission:

Ambry Genetics
Classification: Uncertain significance for Inborn genetic diseases. Last evaluated: 2024-12-20. Review status: criteria provided, single submitter. Criteria: Ambry Variant Classification Scheme 2023. Collection method: clinical testing. Allele origin: germline.
Comment: The p.S221A variant (also known as c.661T>G), located in coding exon 6 of the BMPR2 gene, results from a T to G substitution at nucleotide position 661. The serine at codon 221 is replaced by alanine, an amino acid with similar properties. This amino acid position is conserved. In addition, this alteration is predicted to be deleterious by in silico analysis. Based on the available evidence, the clinical significance of this variant remains unclear.

NM_001204.7(BMPR2):c.661T>G (p.Ser221Ala)

Gene: BMPR2 (bone morphogenetic protein receptor type 2; plus strand). Cytogenetic location: 2q33.2.
Variant type: single nucleotide variant.
Coding change: c.661T>G on transcript NM_001204.7 (MANE Select); coding-DNA position 661, T replaced by G.
Protein change: p.Ser221Ala; replaces serine 221 with alanine.
Molecular consequence: missense variant.
Genome position (GRCh38, 1-based): chr2:202,518,861, T>G. VCF-style: chr2-202518861-T-G. GRCh37 (hg19) VCF-style: chr2-203383584-T-G.
Other names: short protein forms S221A.
Identifiers: ClinVar variation 3824765 (VCV003824765.1).